The following is an entry in ClinVar:

NM_016247.4(IMPG2):c.283G>C (p.Glu95Gln)

Gene: IMPG2 (interphotoreceptor matrix proteoglycan 2; minus strand). Cytogenetic location: 3q12.3.
Variant type: single nucleotide variant.
Coding change: c.283G>C on transcript NM_016247.4 (MANE Select); coding-DNA position 283, G replaced by C.
Protein change: p.Glu95Gln; replaces glutamic acid 95 with glutamine.
Molecular consequence: missense variant.
Genome position (GRCh38, 1-based): chr3:101,319,635, C>G on the plus strand (G>C on the coding strand, the complement: IMPG2 is on the minus strand). VCF-style: chr3-101319635-C-G. GRCh37 (hg19) VCF-style: chr3-101038479-C-G.
Other names: short protein forms E95Q.
Identifiers: ClinVar variation 2197775 (VCV002197775.4), dbSNP rs1198094357, ClinGen allele CA353857705.

ClinVar aggregate classification (germline): Uncertain significance (1 of 4 stars; one submission).

Allele frequency attached by ClinVar (database versions not stated): TOPMed below 0.00001; gnomAD 0.00001; gnomAD exomes 0.00001.
gnomAD v4.1: 11 of 1,613,604 alleles (0.00068%); highest among the groups gnomAD compares: Admixed American, 0.0017%; no homozygotes.

Submission:

Labcorp Genetics (formerly Invitae), Labcorp
Classification: Uncertain significance. Last evaluated: 2022-05-07. Review status: criteria provided, single submitter. Criteria: Invitae Variant Classification Sherloc (09022015). Collection method: clinical testing. Allele origin: germline.
Comment: In summary, the available evidence is currently insufficient to determine the role of this variant in disease. Therefore, it has been classified as a Variant of Uncertain Significance. Algorithms developed to predict the effect of missense changes on protein structure and function are either unavailable or do not agree on the potential impact of this missense change (SIFT: "Deleterious"; PolyPhen-2: "Possibly Damaging"; Align-GVGD: "Class C0"). This variant has not been reported in the literature in individuals affected with IMPG2-related conditions. This variant is present in population databases (no rsID available, gnomAD 0.003%). This sequence change replaces glutamic acid, which is acidic and polar, with glutamine, which is neutral and polar, at codon 95 of the IMPG2 protein (p.Glu95Gln).